The following is an entry in ClinVar:

NM_004304.5(ALK):c.4204G>T (p.Gly1402Cys)

Gene: ALK (ALK receptor tyrosine kinase; minus strand). Cytogenetic location: 2p23.2.
Variant type: single nucleotide variant.
Coding change: c.4204G>T on transcript NM_004304.5 (MANE Select); coding-DNA position 4204, G replaced by T.
Protein change: p.Gly1402Cys; replaces glycine 1402 with cysteine.
Molecular consequence: missense variant.
Genome position (GRCh38, 1-based): chr2:29,193,883, C>A on the plus strand (G>T on the coding strand, the complement: ALK is on the minus strand). VCF-style: chr2-29193883-C-A. GRCh37 (hg19) VCF-style: chr2-29416749-C-A.
Other names: c.1000G>T, p.Gly334Cys (NM_001353765.2); short protein forms G334C, G1402C.
Identifiers: ClinVar variation 3522744 (VCV003522744.1).

ClinVar aggregate classification (germline): Uncertain significance (1 of 4 stars; one submission).

Conditions:
Hereditary cancer-predisposing syndrome. Also called: Hereditary Cancer Syndrome; Hereditary neoplastic syndrome; Tumor predisposition; Neoplastic Syndromes, Hereditary. Identifiers: Orphanet 140162, MedGen C0027672, MeSH D009386, MONDO:0015356.

Submission:

Ambry Genetics
Classification: Uncertain significance for Hereditary cancer-predisposing syndrome. Last evaluated: 2024-10-25. Review status: criteria provided, single submitter. Criteria: Ambry Variant Classification Scheme 2023. Collection method: clinical testing. Allele origin: germline.
Comment: The p.G1402C variant (also known as c.4204G>T), located in coding exon 29 of the ALK gene, results from a G to T substitution at nucleotide position 4204. The glycine at codon 1402 is replaced by cysteine, an amino acid with highly dissimilar properties. This amino acid position is conserved. In addition, this alteration is predicted to be deleterious by in silico analysis. Based on the available evidence, the clinical significance of this variant remains unclear.